The following is an entry in ClinVar:

ClinVar aggregate classification (germline): Likely pathogenic (1 of 4 stars; one submission).

Submission:

GeneDx
Classification: Likely pathogenic. Last evaluated: 2025-09-25. Review status: criteria provided, single submitter. Criteria: GeneDx Variant Classification Process June 2021. Collection method: clinical testing. Allele origin: germline.
Comment: Not observed at significant frequency in large population cohorts (gnomAD); In silico analysis supports that this missense variant has a deleterious effect on protein structure/function; Has not been previously published as pathogenic or benign to our knowledge

NM_024496.4(IRF2BPL):c.2206C>A (p.His736Asn)

Gene: IRF2BPL (interferon regulatory factor 2 binding protein like; minus strand). Cytogenetic location: 14q24.3.
Variant type: single nucleotide variant.
Coding change: c.2206C>A on transcript NM_024496.4 (MANE Select); coding-DNA position 2206, C replaced by A.
Protein change: p.His736Asn; replaces histidine 736 with asparagine.
Molecular consequence: missense variant.
Genome position (GRCh38, 1-based): chr14:77,025,587, G>T on the plus strand (C>A on the coding strand, the complement: IRF2BPL is on the minus strand). VCF-style: chr14-77025587-G-T. GRCh37 (hg19) VCF-style: chr14-77491930-G-T.
Other names: short protein forms H736N.
Identifiers: ClinVar variation 3369331 (VCV003369331.2).